The following is an entry in ClinVar:

NM_001197104.2(KMT2A):c.5052T>G (p.Pro1684=)

Gene: KMT2A (lysine methyltransferase 2A; plus strand). Cytogenetic location: 11q23.3.
Variant type: single nucleotide variant.
Coding change: c.5052T>G on transcript NM_001197104.2 (MANE Select); coding-DNA position 5052, T replaced by G.
Protein change: p.Pro1684=; no amino-acid change (proline 1684 retained).
Molecular consequence: synonymous variant.
Genome position (GRCh38, 1-based): chr11:118,493,104, T>G. VCF-style: chr11-118493104-T-G. GRCh37 (hg19) VCF-style: chr11-118363819-T-G.
Other names: c.5142T>G, p.Pro1714= (NM_001412597.1); c.5043T>G, p.Pro1681= (NM_005933.4).
Identifiers: ClinVar variation 2792141 (VCV002792141.3), dbSNP rs1555043011, ClinGen allele CA477092154.

ClinVar aggregate classification (germline): Uncertain significance (1 of 4 stars; one submission).

Allele frequency attached by ClinVar (database versions not stated): gnomAD exomes 0.00001.
gnomAD v4.1: 17 of 1,614,026 alleles (0.0011%); highest among the groups gnomAD compares: Non-Finnish European, 0.0014%; no homozygotes.

Submission:

Labcorp Genetics (formerly Invitae), Labcorp
Classification: Uncertain significance. Last evaluated: 2023-10-14. Review status: criteria provided, single submitter. Criteria: Invitae Variant Classification Sherloc (09022015). Collection method: clinical testing. Allele origin: germline.
Comment: This sequence change affects codon 1684 of the KMT2A mRNA. It is a 'silent' change, meaning that it does not change the encoded amino acid sequence of the KMT2A protein. This variant is present in population databases (no rsID available, gnomAD 0.003%). This variant has not been reported in the literature in individuals affected with KMT2A-related conditions. Algorithms developed to predict the effect of sequence changes on RNA splicing suggest that this variant may disrupt the consensus splice site. In summary, the available evidence is currently insufficient to determine the role of this variant in disease. Therefore, it has been classified as a Variant of Uncertain Significance.